The following is an entry in ClinVar:

NM_199355.4(ADAMTS18):c.2821A>G (p.Ser941Gly)

Gene: ADAMTS18 (ADAM metallopeptidase with thrombospondin type 1 motif 18; minus strand). Cytogenetic location: 16q23.1.
Variant type: single nucleotide variant.
Coding change: c.2821A>G on transcript NM_199355.4 (MANE Select); coding-DNA position 2821, A replaced by G.
Protein change: p.Ser941Gly; replaces serine 941 with glycine.
Molecular consequence: missense variant.
Genome position (GRCh38, 1-based): chr16:77,295,108, T>C on the plus strand (A>G on the coding strand, the complement: ADAMTS18 is on the minus strand). VCF-style: chr16-77295108-T-C. GRCh37 (hg19) VCF-style: chr16-77329005-T-C.
Other names: c.2305A>G, p.Ser769Gly (NM_001326358.2); short protein forms S769G, S941G.
Identifiers: ClinVar variation 2114612 (VCV002114612.4), dbSNP rs368016588, ClinGen allele CA8180719.
Genomic context (GRCh38, chr16:77,295,108, plus strand): 5'-TTTGCACACACTGGATCTTTCGGCTCTGCTGGCCTCCAGCACAGGCCTTGCTGCATGTAC[T>C]CCATTCACCTGGCATCCAGCTTTCAGTGCAAAACAAACATTACCAATGAAGCCAAACTTT-3'
Protein context (NP_955387.1, residues 931-951): CPAYWMPGEW[Ser941Gly]TCSKACAGGQ

ClinVar aggregate classification (germline): Uncertain significance (1 of 4 stars; one submission).

Allele frequency attached by ClinVar (database versions not stated): gnomAD 0.00001; TOPMed 0.00001; ESP Exome Variant Server 0.00008; ExAC 0.00001; gnomAD exomes 0.00001.
gnomAD v4.1: 11 of 1,614,074 alleles (0.00068%); highest among the groups gnomAD compares: Non-Finnish European, 0.00085%; no homozygotes.

Submission:

Labcorp Genetics (formerly Invitae), Labcorp
Classification: Uncertain significance. Last evaluated: 2025-04-28. Review status: criteria provided, single submitter. Criteria: Invitae Variant Classification Sherloc (09022015). Collection method: clinical testing. Allele origin: germline.
Comment: This sequence change replaces serine, which is neutral and polar, with glycine, which is neutral and non-polar, at codon 941 of the ADAMTS18 protein (p.Ser941Gly). This variant is present in population databases (rs368016588, gnomAD 0.0009%). This variant has not been reported in the literature in individuals affected with ADAMTS18-related conditions. ClinVar contains an entry for this variant (Variation ID: 2114612). An algorithm developed to predict the effect of missense changes on protein structure and function (PolyPhen-2) suggests that this variant is likely to be tolerated. In summary, the available evidence is currently insufficient to determine the role of this variant in disease. Therefore, it has been classified as a Variant of Uncertain Significance.